The following is an entry in ClinVar:

NM_144687.4(NLRP12):c.1636A>C (p.Thr546Pro)

Gene: NLRP12 (NLR family pyrin domain containing 12; minus strand). Cytogenetic location: 19q13.42.
Variant type: single nucleotide variant.
Coding change: c.1636A>C on transcript NM_144687.4 (MANE Select); coding-DNA position 1636, A replaced by C.
Protein change: p.Thr546Pro; replaces threonine 546 with proline.
Molecular consequence: missense variant.
Genome position (GRCh38, 1-based): chr19:53,810,023, T>G on the plus strand (A>C on the coding strand, the complement: NLRP12 is on the minus strand). VCF-style: chr19-53810023-T-G. GRCh37 (hg19) VCF-style: chr19-54313277-T-G.
Other names: c.1636A>C, p.Thr546Pro (NM_001277129.1, NM_001277126.2); short protein forms T546P.
Identifiers: ClinVar variation 838959 (VCV000838959.10), dbSNP rs2092037334, ClinGen allele CA407413005.

ClinVar aggregate classification (germline): Uncertain significance (1 of 4 stars; one submission).

Conditions:
Familial cold autoinflammatory syndrome 2 (FCAS2). Identifiers: Orphanet 247868, MedGen C2673198, MONDO:0012724, OMIM 611762.

Allele frequency attached by ClinVar (database versions not stated): gnomAD exomes below 0.00001.
gnomAD v4.1: 1 of 1,614,044 alleles (0.000062%); highest among the groups gnomAD compares: South Asian, 0.0011%; no homozygotes.

Submission:

Labcorp Genetics (formerly Invitae), Labcorp
Classification: Uncertain significance for Familial cold autoinflammatory syndrome 2. Last evaluated: 2019-12-27. Review status: criteria provided, single submitter. Criteria: Invitae Variant Classification Sherloc (09022015). Collection method: clinical testing. Allele origin: germline.
Comment: This variant is not present in population databases (ExAC no frequency). This sequence change replaces threonine with proline at codon 546 of the NLRP12 protein (p.Thr546Pro). The threonine residue is weakly conserved and there is a small physicochemical difference between threonine and proline. This variant has not been reported in the literature in individuals with NLRP12-related conditions. In summary, the available evidence is currently insufficient to determine the role of this variant in disease. Therefore, it has been classified as a Variant of Uncertain Significance. Algorithms developed to predict the effect of missense changes on protein structure and function (SIFT, PolyPhen-2, Align-GVGD) all suggest that this variant is likely to be tolerated, but these predictions have not been confirmed by published functional studies and their clinical significance is uncertain.